The following is an entry in ClinVar:

ClinVar aggregate classification (germline): Uncertain significance. Review status: criteria provided, multiple submitters, no conflicts (2 of 4 stars). 2 submissions from 2 submitters: Uncertain significance (2). Last evaluated 2025-09-24.

Allele frequency attached by ClinVar (database versions not stated): TOPMed 0.00001; gnomAD 0.00001; ExAC 0.00001.
gnomAD v4.1: 48 of 1,612,182 alleles (0.003%); highest among the groups gnomAD compares: Middle Eastern, 0.043%; no homozygotes.

Submissions (2):

Ambry Genetics
Classification: Uncertain significance. Last evaluated: 2025-09-24. Review status: criteria provided, single submitter. Criteria: Ambry Variant Classification Scheme 2023. Collection method: clinical testing. Allele origin: germline.

Labcorp Genetics (formerly Invitae), Labcorp
Classification: Uncertain significance. Last evaluated: 2024-10-15. Review status: criteria provided, single submitter. Criteria: Invitae Variant Classification Sherloc (09022015). Collection method: clinical testing. Allele origin: germline.
Comment: This sequence change replaces arginine, which is basic and polar, with tryptophan, which is neutral and slightly polar, at codon 94 of the RPL35 protein (p.Arg94Trp). This variant is present in population databases (rs200817885, gnomAD 0.0009%). This variant has not been reported in the literature in individuals affected with RPL35-related conditions. ClinVar contains an entry for this variant (Variation ID: 2067068). An algorithm developed to predict the effect of missense changes on protein structure and function (PolyPhen-2) suggests that this variant is likely to be tolerated. In summary, the available evidence is currently insufficient to determine the role of this variant in disease. Therefore, it has been classified as a Variant of Uncertain Significance.

NM_007209.4(RPL35):c.280C>T (p.Arg94Trp)

Gene: RPL35 (ribosomal protein L35; minus strand). Cytogenetic location: 9q33.3.
Variant type: single nucleotide variant.
Coding change: c.280C>T on transcript NM_007209.4 (MANE Select); coding-DNA position 280, C replaced by T.
Protein change: p.Arg94Trp; replaces arginine 94 with tryptophan.
Molecular consequence: missense variant.
Genome position (GRCh38, 1-based): chr9:124,858,010, G>A on the plus strand (C>T on the coding strand, the complement: RPL35 is on the minus strand). VCF-style: chr9-124858010-G-A. GRCh37 (hg19) VCF-style: chr9-127620289-G-A.
Other names: c.280C>T (NM_007209.3); short protein forms R94W.
Identifiers: ClinVar variation 2067068 (VCV002067068.7), dbSNP rs200817885, ClinGen allele CA5237191.
Genomic context (GRCh38, chr9:124,858,010, plus strand): 5'-ACAGCCGCTCCTTCCGCTGCTGCTTCTTGGTCTTCAGGTTCTCCTCGTGCTTGTTGAGCC[G>A]GCGGCGCATGGCACGTGTCTTCTTAGGCCGCAGGTCCAGGGGCTTGTACTTCTTGCCCTG-3'
Protein context (NP_009140.1, residues 84-104): RPKKTRAMRR[Arg94Trp]LNKHEENLKT